The following is an entry in ClinVar:

ClinVar aggregate classification (germline): Pathogenic (1 of 4 stars; one submission).

Submission:

Labcorp Genetics (formerly Invitae), Labcorp
Classification: Pathogenic. Last evaluated: 2025-04-28. Review status: criteria provided, single submitter. Criteria: Invitae Variant Classification Sherloc (09022015). Collection method: clinical testing. Allele origin: germline.
Comment: This sequence change creates a premature translational stop signal (p.Ala77Glnfs*10) in the NARS2 gene. It is expected to result in an absent or disrupted protein product. Loss-of-function variants in NARS2 are known to be pathogenic (PMID: 25807530, 26402642). This variant is present in population databases (rs755924313, gnomAD 0.01%). This variant has not been reported in the literature in individuals affected with NARS2-related conditions. For these reasons, this variant has been classified as Pathogenic.

Literature cited by the submitters: PubMed 25807530; PubMed 26402642.

NM_024678.6(NARS2):c.228del (p.Ala77fs)

Gene: NARS2 (asparaginyl-tRNA synthetase 2, mitochondrial; minus strand). Cytogenetic location: 11q14.1.
Variant type: Deletion.
Coding change: c.228del on transcript NM_024678.6 (MANE Select); coding-DNA position 228, one base deleted (T; older notation c.228delT).
Protein change: p.Ala77fs; shifts the reading frame from alanine 77.
Molecular consequence: frameshift variant. On other transcripts: 5 prime UTR variant (6), non-coding transcript variant (4), intron variant (1).
Genome position (GRCh38, 1-based): chr11:78,571,358, A deleted on the plus strand (T on the coding strand, the reverse complement: NARS2 is on the minus strand); the first of 2 consecutive A bases (chr11:78,571,358-78,571,359); deleting either gives the same sequence. VCF-style (leftmost placement, unchanged base first): chr11-78571357-CA-C. GRCh37 (hg19) VCF-style: chr11-78282402-CA-C.
Other names: c.-454del (NM_001243251.2, NM_001425310.1, NM_001425313.1 and 1 more transcripts); c.228del, p.Ala77fs (NM_001425299.1, NM_001425300.1, NM_001425301.1 and 7 more transcripts); c.-329del (NM_001425311.1); c.-526del (NM_001425312.1); c.141+2990del (NM_001425308.1); short protein forms A77fs.
Identifiers: ClinVar variation 4782256 (VCV004782256.1).